The following is an entry in ClinVar:

NC_000007.13:g.(?_95906488)_(95951268_?)dup

Gene: SLC25A13 (solute carrier family 25 member 13; minus strand). Cytogenetic location: 7q21.3.
Variant type: Duplication.
Identifiers: ClinVar variation 1433573 (VCV001433573.5).

ClinVar aggregate classification (germline): Uncertain significance (1 of 4 stars; one submission).

Conditions:
Citrin deficiency. Identifiers: Orphanet 247582, MedGen C1997910, MONDO:0016602.

Submission:

Labcorp Genetics (formerly Invitae), Labcorp
Classification: Uncertain significance for Citrin deficiency. Last evaluated: 2022-11-14. Review status: criteria provided, single submitter. Criteria: Invitae Variant Classification Sherloc (09022015). Collection method: clinical testing. Allele origin: germline.
Comment: This variant has not been reported in the literature in individuals affected with SLC25A13-related conditions. In summary, the available evidence is currently insufficient to determine the role of this variant in disease. Therefore, it has been classified as a Variant of Uncertain Significance. This variant results in a copy number gain of the genomic region encompassing exon(s) 1-3 of the SLC25A13 gene. This region includes the initiator codon of the gene. This copy number gain extends beyond the assayed region for this gene and therefore may encompass additional genes. As the precise location of this event is unknown, it may be in tandem or it may be located elsewhere in the genome.